The following is an entry in ClinVar:

ClinVar aggregate classification (germline): Uncertain significance. Review status: criteria provided, multiple submitters, no conflicts (2 of 4 stars). 5 submissions from 5 submitters: Uncertain significance (5). Last evaluated 2025-11-13.

Conditions:
Hereditary cancer-predisposing syndrome. Also called: Tumor predisposition; Neoplastic Syndromes, Hereditary; Hereditary Cancer Syndrome; Hereditary neoplastic syndrome. Identifiers: Orphanet 140162, MedGen C0027672, MeSH D009386, MONDO:0015356.
POLD1-related polyposis and colorectal cancer syndrome (CRCS10). Also called: Colorectal cancer 10; COLORECTAL CANCER, SUSCEPTIBILITY TO, ON CHROMOSOME 19q; Colorectal cancer, susceptibility to, 10. Identifiers: Orphanet 220460, MedGen C2675481, MONDO:0012953, OMIM 612591.

Allele frequency attached by ClinVar (database versions not stated): TOPMed below 0.00001; gnomAD exomes 0.00001.
gnomAD v4.1: 4 of 1,549,986 alleles (0.00026%); highest among the groups gnomAD compares: East Asian, 0.0073%; no homozygotes.

Submissions (5):

Labcorp Genetics (formerly Invitae), Labcorp
Classification: Uncertain significance for POLD1-related polyposis and colorectal cancer syndrome. Last evaluated: 2025-11-13. Review status: criteria provided, single submitter. Criteria: Invitae Variant Classification Sherloc (09022015). Collection method: clinical testing. Allele origin: germline.
Comment: This sequence change replaces isoleucine, which is neutral and non-polar, with threonine, which is neutral and polar, at codon 952 of the POLD1 protein (p.Ile952Thr). This variant is not present in population databases (gnomAD no frequency). This variant has not been reported in the literature in individuals affected with POLD1-related conditions. ClinVar contains an entry for this variant (Variation ID: 537127). Invitae Evidence Modeling of protein sequence and biophysical properties (such as structural, functional, and spatial information, amino acid conservation, physicochemical variation, residue mobility, and thermodynamic stability) indicates that this missense variant is expected to disrupt POLD1 protein function with a positive predictive value of 80%. In summary, the available evidence is currently insufficient to determine the role of this variant in disease. Therefore, it has been classified as a Variant of Uncertain Significance.

Blueprint Genetics
Classification: Uncertain significance. Last evaluated: 2024-10-20. Review status: criteria provided, single submitter. Criteria: ACMG Guidelines, 2015. Collection method: clinical testing. Allele origin: germline.

Ambry Genetics
Classification: Uncertain significance for Hereditary cancer-predisposing syndrome. Last evaluated: 2024-05-15. Review status: criteria provided, single submitter. Criteria: Ambry Variant Classification Scheme 2023. Collection method: clinical testing. Allele origin: germline.
Comment: The p.I952T variant (also known as c.2855T>C), located in coding exon 22 of the POLD1 gene, results from a T to C substitution at nucleotide position 2855. The isoleucine at codon 952 is replaced by threonine, an amino acid with similar properties. This amino acid position is conserved. In addition, the in silico prediction for this alteration is inconclusive. Since supporting evidence is limited at this time, the clinical significance of this alteration remains unclear.

Quest Diagnostics Nichols Institute San Juan Capistrano
Classification: Uncertain significance. Last evaluated: 2019-11-14. Review status: criteria provided, single submitter. Criteria: Quest Diagnostics criteria. Collection method: clinical testing. Allele origin: unknown.

GeneDx
Classification: Uncertain significance. Last evaluated: 2019-05-09. Review status: criteria provided, single submitter. Criteria: GeneDx Variant Classification Process June 2021. Collection method: clinical testing. Allele origin: germline. Affected: yes.
Comment: Has not been previously published as pathogenic or benign to our knowledge

NM_002691.4(POLD1):c.2855T>C (p.Ile952Thr)

Gene: POLD1 (DNA polymerase delta 1, catalytic subunit; plus strand). Cytogenetic location: 19q13.33.
Variant type: single nucleotide variant.
Coding change: c.2855T>C on transcript NM_002691.4 (MANE Select); coding-DNA position 2855, T replaced by C.
Protein change: p.Ile952Thr; replaces isoleucine 952 with threonine.
Molecular consequence: missense variant. On other transcripts: non-coding transcript variant (1).
Genome position (GRCh38, 1-based): chr19:50,416,430, T>C. VCF-style: chr19-50416430-T-C. GRCh37 (hg19) VCF-style: chr19-50919687-T-C.
Other names: c.2855T>C, p.Ile952Thr (NM_001256849.1); c.2933T>C, p.Ile978Thr (NM_001308632.1); short protein forms I952T, I978T.
Identifiers: ClinVar variation 537127 (VCV000537127.20), dbSNP rs1555793299, ClinGen allele CA406986321.